The following is an entry in ClinVar:

ClinVar aggregate classification (germline): Uncertain significance. Review status: criteria provided, multiple submitters, no conflicts (2 of 4 stars). 2 submissions from 2 submitters: Uncertain significance (2). Last evaluated 2024-04-29.

Allele frequency attached by ClinVar (database versions not stated): TOPMed below 0.00001; gnomAD 0.00001; ExAC 0.00002; gnomAD exomes 0.00002.

Submissions (2):

Labcorp Genetics (formerly Invitae), Labcorp
Classification: Uncertain significance. Last evaluated: 2024-04-29. Review status: criteria provided, single submitter. Criteria: Invitae Variant Classification Sherloc (09022015). Collection method: clinical testing. Allele origin: germline.
Comment: This sequence change replaces glutamic acid, which is acidic and polar, with glycine, which is neutral and non-polar, at codon 161 of the NEDD4L protein (p.Glu161Gly). The frequency data for this variant in the population databases is considered unreliable, as metrics indicate poor data quality at this position in the gnomAD database. This variant has not been reported in the literature in individuals affected with NEDD4L-related conditions. ClinVar contains an entry for this variant (Variation ID: 1004844). Advanced modeling of protein sequence and biophysical properties (such as structural, functional, and spatial information, amino acid conservation, physicochemical variation, residue mobility, and thermodynamic stability) performed at Invitae indicates that this missense variant is not expected to disrupt NEDD4L protein function with a negative predictive value of 80%. In summary, the available evidence is currently insufficient to determine the role of this variant in disease. Therefore, it has been classified as a Variant of Uncertain Significance.

Women's Health and Genetics/Laboratory Corporation of America, LabCorp
Classification: Uncertain significance. Last evaluated: 2023-08-28. Review status: criteria provided, single submitter. Criteria: LabCorp Variant Classification Summary - May 2015. Collection method: clinical testing. Allele origin: germline.
Comment: Variant summary: NEDD4L c.482A>G (p.Glu161Gly) results in a non-conservative amino acid change in the encoded protein sequence. Three of five in-silico tools predict a benign effect of the variant on protein function. The variant allele was found at a frequency of 4.4e-06 in 227280 control chromosomes (gnomAD). The available data on variant occurrences in the general population are insufficient to allow any conclusion about variant significance. To our knowledge, no occurrence of c.482A>G in individuals affected with Periventricular Nodular Heterotopia 7 and no experimental evidence demonstrating its impact on protein function have been reported. One submitter has reported clinical-significance assessments for this variant to ClinVar after 2014 and has classified the variant as uncertain significance. Based on the evidence outlined above, the variant was classified as uncertain significance.

NM_001144967.3(NEDD4L):c.482A>G (p.Glu161Gly)

Gene: NEDD4L (NEDD4 like E3 ubiquitin protein ligase; plus strand). Cytogenetic location: 18q21.31.
Variant type: single nucleotide variant.
Coding change: c.482A>G on transcript NM_001144967.3 (MANE Select); coding-DNA position 482, A replaced by G.
Protein change: p.Glu161Gly; replaces glutamic acid 161 with glycine.
Molecular consequence: missense variant.
Genome position (GRCh38, 1-based): chr18:58,323,303, A>G. VCF-style: chr18-58323303-A-G. GRCh37 (hg19) VCF-style: chr18-55990535-A-G.
Other names: c.119A>G, p.Glu40Gly (NM_001144964.1, NM_001144965.2, NM_001144966.3 and 2 more transcripts); c.458A>G, p.Glu153Gly (NM_001144968.2, NM_001144969.2); c.482A>G, p.Glu161Gly (NM_001243960.2, NM_015277.6); c.482A>G (NM_001144967.2); short protein forms E153G, E161G, E40G.
Identifiers: ClinVar variation 1004844 (VCV001004844.7), dbSNP rs746022345, ClinGen allele CA8975361.
Genomic context (GRCh38, chr18:58,323,303, plus strand): 5'-GAGTTAAGGGATTTTTGCGATTGAAAATGGCCTATATGCCAAAAAATGGAGGTCAAGATG[A>G]AGAAAACAGTGACCAGAGGGATGACATGGAGGTACGTGGAGGGCGTCAGGCCTCTCTCCT-3'
Protein context (NP_001138439.1, residues 151-171): AYMPKNGGQD[Glu161Gly]ENSDQRDDME